The following is an entry in ClinVar:

ClinVar aggregate classification (germline): Pathogenic (1 of 4 stars; one submission).

Conditions:
Breast-ovarian cancer, familial, susceptibility to, 1 (BROVCA1). Also called: BRCA1 Hereditary Breast and Ovarian Cancer; OVARIAN CANCER, SUSCEPTIBILITY TO. Identifiers: Orphanet 145, MedGen C2676676, MONDO:0011450, OMIM 604370. Disease mechanism: loss of function.

Submission:

Myriad Genetics, Inc.
Classification: Pathogenic for Breast-ovarian cancer, familial, susceptibility to, 1. Last evaluated: 2024-10-17. Review status: criteria provided, single submitter. Criteria: Myriad Autosomal Dominant, Autosomal Recessive and X-Linked Classification Criteria (2023). Collection method: clinical testing. Allele origin: unknown.
Comment: This variant is considered pathogenic. This variant creates a frameshift predicted to result in premature protein truncation.

NM_007294.4(BRCA1):c.4753_4754dup (p.Glu1586fs)

Gene: BRCA1 (BRCA1 DNA repair associated; minus strand). Cytogenetic location: 17q21.31.
Variant type: Duplication.
Coding change: c.4753_4754dup on transcript NM_007294.4 (MANE Select); coding-DNA positions 4753 to 4754, 2 bases duplicated (CC; older notation c.4753_4754dupCC).
Protein change: p.Glu1586fs; shifts the reading frame from glutamic acid 1586.
Molecular consequence: frameshift variant. On other transcripts: intron variant (1).
Genome position (GRCh38, 1-based): chr17:43,071,160-43,071,161, GG duplicated on the plus strand (CC on the coding strand, the reverse complement: BRCA1 is on the minus strand); duplicating any 2 consecutive bases within chr17:43,071,160-43,071,163 gives the same sequence; the c. name uses the placement nearest the transcript's 3' end. VCF-style (leftmost placement, unchanged base first): chr17-43071159-T-TGG. GRCh37 (hg19) VCF-style: chr17-41223176-T-TGG.
Other names: c.4606_4607dup, p.Glu1537fs (NM_001407853.1, NM_001407843.1, NM_001407844.1 and 12 more transcripts); c.4753_4754dup, p.Glu1586fs (NM_001407854.1, NM_001407593.1, NM_001407594.1 and 8 more transcripts); c.4750_4751dup, p.Glu1585fs (NM_001407858.1, NM_001407859.1, NM_001407860.1 and 17 more transcripts); c.4747_4748dup, p.Glu1584fs (NM_001407861.1, NM_001407627.1, NM_001407628.1 and 14 more transcripts); c.4552_4553dup, p.Glu1519fs (NM_001407862.1); c.4627_4628dup, p.Glu1544fs (NM_001407863.1, NM_001407939.1, NM_001407940.1 and 11 more transcripts); c.4546_4547dup, p.Glu1517fs (NM_001407874.1, NM_001407875.1); c.4543_4544dup, p.Glu1516fs (NM_001407879.1, NM_001407881.1, NM_001407882.1 and 5 more transcripts); and 71 more; short protein forms E1289fs, E1290fs, E1417fs, E1432fs, E1457fs, E1458fs, E1459fs, E1473fs.
Identifiers: ClinVar variation 3773505 (VCV003773505.1).